The following is an entry in ClinVar:

ClinVar aggregate classification (germline): Likely benign (1 of 4 stars; one submission).

gnomAD v4.1: 14 of 1,605,492 alleles (0.00087%); highest among the groups gnomAD compares: South Asian, 0.0033%; no homozygotes.

Submission:

CeGaT Center for Human Genetics Tuebingen
Classification: Likely benign. Last evaluated: 2025-01-01. Review status: criteria provided, single submitter. Criteria: CeGaT Center For Human Genetics Tuebingen Variant Classification Criteria Version 2. Collection method: clinical testing. Allele origin: germline. Affected: yes. Observed: 1 variant allele.
Comment: TAF4: BP4, BP7

NM_003185.4(TAF4):c.2283G>A (p.Thr761=)

Gene: TAF4 (TATA-box binding protein associated factor 4; minus strand). Cytogenetic location: 20q13.33.
Variant type: single nucleotide variant.
Coding change: c.2283G>A on transcript NM_003185.4 (MANE Select); coding-DNA position 2283, G replaced by A.
Protein change: p.Thr761=; no amino-acid change (threonine 761 retained).
Molecular consequence: synonymous variant.
Genome position (GRCh38, 1-based): chr20:62,003,819, C>T on the plus strand (G>A on the coding strand, the complement: TAF4 is on the minus strand). VCF-style: chr20-62003819-C-T. GRCh37 (hg19) VCF-style: chr20-60578875-C-T.
Identifiers: ClinVar variation 3772245 (VCV003772245.13).